The following is an entry in ClinVar:

NM_001854.4(COL11A1):c.946A>G (p.Ser316Gly)

Gene: COL11A1 (collagen type XI alpha 1 chain; minus strand). Cytogenetic location: 1p21.1.
Variant type: single nucleotide variant.
Coding change: c.946A>G on transcript NM_001854.4 (MANE Select); coding-DNA position 946, A replaced by G.
Protein change: p.Ser316Gly; replaces serine 316 with glycine.
Molecular consequence: missense variant. On other transcripts: non-coding transcript variant (1), intron variant (1).
Genome position (GRCh38, 1-based): chr1:103,025,565, T>C on the plus strand (A>G on the coding strand, the complement: COL11A1 is on the minus strand). VCF-style: chr1-103025565-T-C. GRCh37 (hg19) VCF-style: chr1-103491121-T-C.
Other names: c.829A>G, p.Ser277Gly (NM_001190709.2); c.982A>G, p.Ser328Gly (NM_080629.3); c.897+651A>G (NM_080630.4); short protein forms S277G, S316G, S328G.
Identifiers: ClinVar variation 1214660 (VCV001214660.12), dbSNP rs369794634, ClinGen allele CA975185.
Genomic context (GRCh38, chr1:103,025,565, plus strand): 5'-TGTCTATACGTATTACCTCATTTGTCCCAGAAACATGCCTAGGAGCTTCTGTCTGGTAAC[T>C]TTCCATTGTTCCATAGTTGTATTCTTGAAAATCATCAACGATGTTTGCCTAATGGTAAAT-3'
Protein context (NP_001845.3, residues 306-326): FQEYNYGTME[Ser316Gly]YQTEAPRHVS

ClinVar aggregate classification (germline): Conflicting classifications of pathogenicity. Review status: criteria provided, conflicting classifications (1 of 4 stars). 3 submissions from 3 submitters: Uncertain significance (2); Likely benign (1). Last evaluated 2025-12-06.

Conditions:
Inborn genetic diseases. Identifiers: MedGen C0950123, MeSH D030342.

Allele frequency attached by ClinVar (database versions not stated): gnomAD exomes 0.00001 and 0.00005; ExAC 0.00007; ESP Exome Variant Server 0.00008; gnomAD 0.00014 and 0.00015; 1000 Genomes Project 0.00040; 1000 Genomes Project 30x 0.00062; TOPMed 0.00024.
gnomAD v4.1: 38 of 1,613,800 alleles (0.0024%); highest among the groups gnomAD compares: African/African-American, 0.044%; no homozygotes.

Submissions (3):

Labcorp Genetics (formerly Invitae), Labcorp
Classification: Likely benign. Last evaluated: 2025-12-06. Review status: criteria provided, single submitter. Criteria: Invitae Variant Classification Sherloc (09022015). Collection method: clinical testing. Allele origin: germline.

Ambry Genetics
Classification: Uncertain significance for Inborn genetic diseases. Last evaluated: 2025-08-12. Review status: criteria provided, single submitter. Criteria: Ambry Variant Classification Scheme 2023. Collection method: clinical testing. Allele origin: germline.

GeneDx
Classification: Uncertain significance. Last evaluated: 2021-01-12. Review status: criteria provided, single submitter. Criteria: GeneDx Variant Classification Process June 2021. Collection method: clinical testing. Allele origin: germline. Affected: yes.
Comment: In silico analysis supports that this missense variant does not alter protein structure/function; Has not been previously published as pathogenic or benign to our knowledge